The following is an entry in ClinVar:

NM_024685.4(BBS10):c.1854C>T (p.Ala618=)

Gene: BBS10 (Bardet-Biedl syndrome 10; minus strand). Cytogenetic location: 12q21.2.
Variant type: single nucleotide variant.
Coding change: c.1854C>T on transcript NM_024685.4 (MANE Select); coding-DNA position 1854, C replaced by T.
Protein change: p.Ala618=; no amino-acid change (alanine 618 retained).
Molecular consequence: synonymous variant.
Genome position (GRCh38, 1-based): chr12:76,346,131, G>A on the plus strand (C>T on the coding strand, the complement: BBS10 is on the minus strand). VCF-style: chr12-76346131-G-A. GRCh37 (hg19) VCF-style: chr12-76739911-G-A.
Other names: c.1854C>T (NM_024685.3).
Identifiers: ClinVar variation 1620426 (VCV001620426.9), dbSNP rs2136089834, ClinGen allele CA481010739.

ClinVar aggregate classification (germline): Likely benign. Review status: criteria provided, multiple submitters, no conflicts (2 of 4 stars). 2 submissions from 2 submitters: Likely benign (2). Last evaluated 2026-02-24.

Conditions:
BBS10-related disorder. Also called: BBS10-related condition.
Bardet-Biedl syndrome (BBS). Identifiers: Orphanet 110, MedGen C0752166, MONDO:0015229.

Allele frequency attached by ClinVar (database versions not stated): gnomAD exomes below 0.00001.

Submissions (2):

PreventionGenetics, part of Exact Sciences
Classification: Likely benign for BBS10-related condition. Last evaluated: 2026-02-24. Review status: criteria provided, single submitter. Criteria: ACMG Guidelines, 2015. Collection method: clinical testing. Allele origin: germline.
Comment: This variant is classified as likely benign based on ACMG/AMP sequence variant interpretation guidelines (Richards et al. 2015 PMID: 25741868, with internal and published modifications).

Labcorp Genetics (formerly Invitae), Labcorp
Classification: Likely benign for Bardet-Biedl syndrome. Last evaluated: 2020-12-09. Review status: criteria provided, single submitter. Criteria: Invitae Variant Classification Sherloc (09022015). Collection method: clinical testing. Allele origin: germline.